The following is an entry in ClinVar:

NM_014140.4(SMARCAL1):c.740G>C (p.Arg247Pro)

Gene: SMARCAL1 (SNF2 related chromatin remodeling annealing helicase 1; plus strand). Cytogenetic location: 2q35.
Variant type: single nucleotide variant.
Coding change: c.740G>C on transcript NM_014140.4 (MANE Select); coding-DNA position 740, G replaced by C.
Protein change: p.Arg247Pro; replaces arginine 247 with proline.
Molecular consequence: missense variant.
Genome position (GRCh38, 1-based): chr2:216,415,444, G>C. VCF-style: chr2-216415444-G-C. GRCh37 (hg19) VCF-style: chr2-217280167-G-C.
Other names: c.740G>C, p.Arg247Pro (NM_001127207.2); short protein forms R247P.
Identifiers: ClinVar variation 3585595 (VCV003585595.3).

ClinVar aggregate classification (germline): Uncertain significance. Review status: criteria provided, multiple submitters, no conflicts (2 of 4 stars). 2 submissions from 2 submitters: Uncertain significance (2). Last evaluated 2024-10-30.

Conditions:
Schimke immuno-osseous dysplasia (SIOD). Also called: Schimke Immunoosseous Dysplasia. Identifiers: Orphanet 1830, MedGen C0877024, MONDO:0009458, OMIM 242900.

Submissions (2):

Labcorp Genetics (formerly Invitae), Labcorp
Classification: Uncertain significance for Schimke immuno-osseous dysplasia. Last evaluated: 2024-10-30. Review status: criteria provided, single submitter. Criteria: Invitae Variant Classification Sherloc (09022015). Collection method: clinical testing. Allele origin: germline.
Comment: This sequence change replaces arginine, which is basic and polar, with proline, which is neutral and non-polar, at codon 247 of the SMARCAL1 protein (p.Arg247Pro). This variant is present in population databases (no rsID available, gnomAD no frequency). This missense change has been observed in individual(s) with Schimke immunoosseous dysplasia (PMID: 24589093). In at least one individual the data is consistent with being in trans (on the opposite chromosome) from a pathogenic variant. Invitae Evidence Modeling of protein sequence and biophysical properties (such as structural, functional, and spatial information, amino acid conservation, physicochemical variation, residue mobility, and thermodynamic stability) indicates that this missense variant is not expected to disrupt SMARCAL1 protein function with a negative predictive value of 80%. In summary, the available evidence is currently insufficient to determine the role of this variant in disease. Therefore, it has been classified as a Variant of Uncertain Significance.

Fulgent Genetics
Classification: Uncertain significance for Schimke immuno-osseous dysplasia. Last evaluated: 2024-06-10. Review status: criteria provided, single submitter. Criteria: ACMG Guidelines, 2015. Collection method: clinical testing. Allele origin: germline.

Literature cited by the submitters: PubMed 24589093 (cited by Labcorp Genetics (formerly Invitae), Labcorp).